The following is an entry in ClinVar:

NM_001370259.2(MEN1):c.1674dup (p.Lys559fs)

Gene: MEN1 (menin 1; minus strand). Cytogenetic location: 11q13.1.
Variant type: Duplication.
Coding change: c.1674dup on transcript NM_001370259.2 (MANE Select); coding-DNA position 1674, one base duplicated (G; older notation c.1674dupG).
Protein change: p.Lys559fs; shifts the reading frame from lysine 559.
Molecular consequence: frameshift variant.
Genome position (GRCh38, 1-based): chr11:64,804,493, C duplicated on the plus strand (G on the coding strand, the reverse complement: MEN1 is on the minus strand). VCF-style (leftmost placement, unchanged base first): chr11-64804492-T-TC. GRCh37 (hg19) VCF-style: chr11-64571964-T-TC.
Other names: c.1674dupG (NM_130799.2); c.1689dup, p.Lys564fs (NM_000244.4, NM_130800.3, NM_130801.3 and 3 more transcripts); c.1800dup, p.Lys601fs (NM_001370251.2); c.1674dup, p.Lys559fs (NM_001370260.2, NM_001370261.2, NM_130799.3); c.1569dup, p.Lys524fs (NM_001370262.2, NM_001370263.2); short protein forms K524fs, K564fs, K601fs, K559fs.
Identifiers: ClinVar variation 569154 (VCV000569154.9), dbSNP rs1565635941, ClinGen allele CA891843127.

ClinVar aggregate classification (germline): Pathogenic (1 of 4 stars; one submission).

Conditions:
Multiple endocrine neoplasia, type 1 (MEN1). Also called: WERMER SYNDROME; Endocrine adenomatosis multiple; MEN 1; MEA I; MEN I. Identifiers: Orphanet 652, MedGen C0025267, MeSH D018761, MONDO:0007540, OMIM 131100.

Submission:

Labcorp Genetics (formerly Invitae), Labcorp
Classification: Pathogenic for Multiple endocrine neoplasia, type 1. Last evaluated: 2018-05-20. Review status: criteria provided, single submitter. Criteria: Invitae Variant Classification Sherloc (09022015). Collection method: clinical testing. Allele origin: germline.
Comment: For these reasons, this variant has been classified as Pathogenic. This frameshift change truncates the functionally conserved NLS2 domain of the MEN1 protein. Experimental studies have shown that disruption of this region abrogates the ability of MEN1 to bind DNA, regulate target gene expression, and inhibit cell proliferation (PMID: 15331604, 16449969). This variant has been reported in an individual affected with multiple endocrine neoplasia type 1 (PMID: 10090472 ). This variant is not present in population databases (ExAC no frequency). This sequence change results in a premature translational stop signal in the MEN1 gene (p.Lys559Glufs*38). While this is not anticipated to result in nonsense mediated decay, it is expected to disrupt the last 52 amino acids of the MEN1 protein.

Literature cited by the submitters: PubMed 15331604; PubMed 16449969; PubMed 10090472.